The following is an entry in ClinVar:

NM_014053.4(FLVCR1):c.841A>C (p.Thr281Pro)

Gene: FLVCR1 (FLVCR choline and heme transporter 1; plus strand). Cytogenetic location: 1q32.3.
Variant type: single nucleotide variant.
Coding change: c.841A>C on transcript NM_014053.4 (MANE Select); coding-DNA position 841, A replaced by C.
Protein change: p.Thr281Pro; replaces threonine 281 with proline.
Molecular consequence: missense variant.
Genome position (GRCh38, 1-based): chr1:212,863,827, A>C. VCF-style: chr1-212863827-A-C. GRCh37 (hg19) VCF-style: chr1-213037169-A-C.
Other names: short protein forms T281P.
Identifiers: ClinVar variation 2767327 (VCV002767327.3), dbSNP rs1470930786, ClinGen allele CA344790135.
Genomic context (GRCh38, chr1:212,863,827, plus strand): 5'-CCCAACACACAGAATGACACAAATCTCCTGGCTTGTAATATCAGCACCATGTTTTATGGA[A>C]CATCAGCTGTTGCCACACTTTTATTTATTTTAACAGCAATTGGTAAGTGAATTACTTTCC-3'
Protein context (NP_054772.1, residues 271-291): ACNISTMFYG[Thr281Pro]SAVATLLFIL

ClinVar aggregate classification (germline): Uncertain significance (1 of 4 stars; one submission).

Submission:

Labcorp Genetics (formerly Invitae), Labcorp
Classification: Uncertain significance. Last evaluated: 2023-10-09. Review status: criteria provided, single submitter. Criteria: Invitae Variant Classification Sherloc (09022015). Collection method: clinical testing. Allele origin: germline.
Comment: This sequence change replaces threonine, which is neutral and polar, with proline, which is neutral and non-polar, at codon 281 of the FLVCR1 protein (p.Thr281Pro). This variant is not present in population databases (gnomAD no frequency). This variant has not been reported in the literature in individuals affected with FLVCR1-related conditions. Advanced modeling of protein sequence and biophysical properties (such as structural, functional, and spatial information, amino acid conservation, physicochemical variation, residue mobility, and thermodynamic stability) has been performed at Invitae for this missense variant, however the output from this modeling did not meet the statistical confidence thresholds required to predict the impact of this variant on FLVCR1 protein function. In summary, the available evidence is currently insufficient to determine the role of this variant in disease. Therefore, it has been classified as a Variant of Uncertain Significance.